The following is an entry in ClinVar:

NM_198578.4(LRRK2):c.1196G>C (p.Arg399Thr)

Gene: LRRK2 (leucine rich repeat kinase 2; plus strand). Cytogenetic location: 12q12.
Variant type: single nucleotide variant.
Coding change: c.1196G>C on transcript NM_198578.4 (MANE Select); coding-DNA position 1196, G replaced by C.
Protein change: p.Arg399Thr; replaces arginine 399 with threonine.
Molecular consequence: missense variant.
Genome position (GRCh38, 1-based): chr12:40,252,924, G>C. VCF-style: chr12-40252924-G-C. GRCh37 (hg19) VCF-style: chr12-40646726-G-C.
Other names: short protein forms R399T.
Identifiers: ClinVar variation 3229502 (VCV003229502.1), dbSNP rs1231898100, ClinGen allele CA384409182.
Genomic context (GRCh38, chr12:40,252,924, plus strand): 5'-GTTATTTAAAAGATTACTACTAACATTTTGTTTGAATTTTTGAAAGTTTCCCAGCTCATA[G>C]GGAAGTGATGCTCTCCATGCTGATGCATTCTTCATCAAAGGAAGTTTTCCAGGCATCTGC-3'
Protein context (NP_940980.4, residues 389-409): GDEDGHFPAH[Arg399Thr]EVMLSMLMHS

ClinVar aggregate classification (germline): Uncertain significance (1 of 4 stars; one submission).

Conditions:
Inborn genetic diseases. Identifiers: MedGen C0950123, MeSH D030342.

Submission:

Ambry Genetics
Classification: Uncertain significance for Inborn genetic diseases. Last evaluated: 2023-01-20. Review status: criteria provided, single submitter. Criteria: Ambry Variant Classification Scheme 2023. Collection method: clinical testing. Allele origin: germline.
Comment: The p.R399T variant (also known as c.1196G>C), located in coding exon 11 of the LRRK2 gene, results from a G to C substitution at nucleotide position 1196. The arginine at codon 399 is replaced by threonine, an amino acid with similar properties. This amino acid position is conserved. In addition, the in silico prediction for this alteration is inconclusive. Since supporting evidence is limited at this time, the clinical significance of this alteration remains unclear.